The following is an entry in ClinVar:

NM_000051.4(ATM):c.7012C>T (p.Leu2338=)

Genes: ATM (ATM serine/threonine kinase; plus strand), C11orf65 (chromosome 11 open reading frame 65; minus strand). Cytogenetic location: 11q22.3.
Variant type: single nucleotide variant.
Coding change: c.7012C>T on transcript NM_000051.4 (MANE Select); coding-DNA position 7012, C replaced by T.
Protein change: p.Leu2338=; no amino-acid change (leucine 2338 retained).
Molecular consequence: synonymous variant. On other transcripts: intron variant (2).
Genome position (GRCh38, 1-based): chr11:108,327,681, C>T. VCF-style: chr11-108327681-C-T. GRCh37 (hg19) VCF-style: chr11-108198408-C-T.
Other names: c.7012C>T, p.Leu2338= (NM_001351834.2); c.641-18610G>A (NM_001330368.2); c.*38+7539G>A (NM_001351110.2).
Identifiers: ClinVar variation 524473 (VCV000524473.10), dbSNP rs1555120990, ClinGen allele CA476676443.

ClinVar aggregate classification (germline): Benign/Likely benign. Review status: criteria provided, multiple submitters, no conflicts (2 of 4 stars). 2 submissions from 2 submitters: Benign (1); Likely benign (1). Last evaluated 2024-08-08.

Conditions:
Ataxia-telangiectasia syndrome (AT). Also called: Cerebello-oculocutaneous telangiectasia; Immunodeficiency with ataxia telangiectasia; Ataxia-telangiectasia, complementation group E; Ataxia-telangiectasia, complementation group D; AT, COMPLEMENTATION GROUP C; ATAXIA-TELANGIECTASIA, COMPLEMENTATION GROUP A. Identifiers: Orphanet 100, MedGen C0004135, MONDO:0008840, OMIM 208900.
Familial cancer of breast. Also called: BREAST CANCER, FAMILIAL; Hereditary breast cancer; hereditary breast carcinoma. Identifiers: Orphanet 227535, MedGen C0346153, MONDO:0016419, OMIM 114480. Disease mechanism: loss of function.

Allele frequency attached by ClinVar (database versions not stated): gnomAD exomes below 0.00001.
gnomAD v4.1: 1 of 1,614,020 alleles (0.000062%); highest among the groups gnomAD compares: Non-Finnish European, 0.000085%; no homozygotes.

Submissions (2):

Labcorp Genetics (formerly Invitae), Labcorp
Classification: Likely benign for Ataxia-telangiectasia syndrome. Last evaluated: 2024-08-08. Review status: criteria provided, single submitter. Criteria: Invitae Variant Classification Sherloc (09022015). Collection method: clinical testing. Allele origin: germline.

Myriad Genetics, Inc.
Classification: Benign for Familial cancer of breast. Last evaluated: 2024-06-12. Review status: criteria provided, single submitter. Criteria: Myriad Autosomal Dominant, Autosomal Recessive and X-Linked Classification Criteria (2023). Collection method: clinical testing. Allele origin: unknown.
Comment: This variant is considered benign. This variant is a silent/synonymous amino acid change and it is not expected to impact splicing.